The following is an entry in ClinVar:

ClinVar aggregate classification (germline): Uncertain significance (1 of 4 stars; one submission).

Conditions:
Senior-Loken syndrome 7 (SLSN7). Identifiers: Orphanet 3156, MedGen C3150877, MONDO:0013326, OMIM 613615.
Bardet-Biedl syndrome 16 (BBS16). Identifiers: Orphanet 110, MedGen C3889474, MONDO:0014444, OMIM 615993.

Submission:

Labcorp Genetics (formerly Invitae), Labcorp
Classification: Uncertain significance for Bardet-Biedl syndrome 16; Senior-Loken syndrome 7. Last evaluated: 2022-03-21. Review status: criteria provided, single submitter. Criteria: Invitae Variant Classification Sherloc (09022015). Collection method: clinical testing. Allele origin: germline.
Comment: In summary, the available evidence is currently insufficient to determine the role of this variant in disease. Therefore, it has been classified as a Variant of Uncertain Significance. Experimental studies and prediction algorithms are not available or were not evaluated, and the functional significance of this variant is currently unknown. This variant has not been reported in the literature in individuals affected with SDCCAG8-related conditions. This variant is present in population databases (rs751190536, gnomAD 0.003%). This variant, c.290_292del, results in the deletion of 1 amino acid(s) of the SDCCAG8 protein (p.Arg97del), but otherwise preserves the integrity of the reading frame.

NM_006642.5(SDCCAG8):c.284GAA[2] (p.Arg97del)

Gene: SDCCAG8 (SHH signaling and ciliogenesis regulator SDCCAG8; plus strand). Cytogenetic location: 1q43.
Variant type: Microsatellite.
Coding change: c.284GAA[2] on transcript NM_006642.5 (MANE Select); two copies in a row of the 3-base unit GAA starting at c.284; the reference has three copies in a row; one copy, 3 bases deleted.
Protein change: p.Arg97del; deletes arginine 97.
Molecular consequence: inframe deletion. On other transcripts: 5 prime UTR variant (4).
Genome position (GRCh38, 1-based): chr1:243,271,047-243,271,049, GAA deleted; deleting any 3 consecutive bases within chr1:243,271,039-243,271,049 gives the same sequence; the position shown is the placement nearest the transcript's 3' end. VCF-style (leftmost placement, unchanged base first): chr1-243271038-CAAG-C. GRCh37 (hg19) VCF-style: chr1-243434340-CAAG-C.
Other names: c.-829GAA[2] (NM_001350246.2); c.-717GAA[2] (NM_001350247.2); c.284GAA[2], p.Arg97del (NM_001350248.2); c.-11GAA[2] (NM_001350249.2); c.-1090GAA[2] (NM_001350251.2); short protein forms R97del.
Identifiers: ClinVar variation 1428937 (VCV001428937.8), dbSNP rs751190536, ClinGen allele CA1483257.